The following is an entry in ClinVar:

ClinVar aggregate classification (germline): Uncertain significance (1 of 4 stars; one submission).

Submission:

GeneDx
Classification: Uncertain significance. Last evaluated: 2025-04-28. Review status: criteria provided, single submitter. Criteria: GeneDx Variant Classification Process June 2021. Collection method: clinical testing. Allele origin: germline. Affected: yes.
Comment: Not observed at significant frequency in large population cohorts (gnomAD); In-frame deletion of 3 amino acids in a non-repeat region; In silico analysis indicates that this variant does not alter protein structure/function; Has not been previously published as pathogenic or benign to our knowledge

NM_138576.4(BCL11B):c.1224_1232del (p.Leu409_Pro411del)

Gene: BCL11B (BCL11 transcription factor B; minus strand). Cytogenetic location: 14q32.2.
Variant type: Deletion.
Coding change: c.1224_1232del on transcript NM_138576.4 (MANE Select); coding-DNA positions 1224 to 1232, 9 bases deleted (GCTGCCGCC; older notation c.1224_1232delGCTGCCGCC).
Protein change: p.Leu409_Pro411del.
Genome position (GRCh38, 1-based): chr14:99,175,604-99,175,612, GGCGGCAGC deleted on the plus strand (GCTGCCGCC on the coding strand, the reverse complement: BCL11B is on the minus strand); deleting any 9 consecutive bases within chr14:99,175,604-99,175,618 gives the same sequence; the c. name uses the placement nearest the transcript's 3' end. VCF-style (leftmost placement, unchanged base first): chr14-99175603-GGGCGGCAGC-G. GRCh37 (hg19) VCF-style: chr14-99641940-GGGCGGCAGC-G.
Other names: c.1221_1229del, p.Leu408_Pro410del (NM_001282237.2); c.1008_1016del, p.Leu337_Pro339del (NM_001282238.2); c.1011_1019del, p.Leu338_Pro340del (NM_022898.3).
Identifiers: ClinVar variation 4527537 (VCV004527537.1).